The following is an entry in ClinVar:

NM_005068.3(SIM1):c.999-2A>G

Genes: SIM1 (SIM bHLH transcription factor 1; minus strand), SIM1-AS1 (SIM1 antisense RNA 1; plus strand). Cytogenetic location: 6q16.3.
Variant type: single nucleotide variant.
Coding change: c.999-2A>G on transcript NM_005068.3 (MANE Select); the canonical splice acceptor site of the intron before coding-DNA position 999, A replaced by G.
Molecular consequence: splice acceptor variant.
Genome position (GRCh38, 1-based): chr6:100,420,960, T>C on the plus strand (A>G on the coding strand, the complement: SIM1 is on the minus strand). VCF-style: chr6-100420960-T-C. GRCh37 (hg19) VCF-style: chr6-100868836-T-C.
Other names: c.999-2A>G (NM_001374769.1).
Identifiers: ClinVar variation 3354911 (VCV003354911.1).

ClinVar aggregate classification (germline): Likely pathogenic (0 of 4 stars; one submission).

Conditions:
SIM1-related disorder. Also called: SIM1-related condition; SIM1-related disorders.

Submission:

PreventionGenetics, part of Exact Sciences
Classification: Likely pathogenic for SIM1-related condition. Last evaluated: 2024-04-08. Review status: no assertion criteria provided. Collection method: clinical testing. Allele origin: germline.
Comment: The SIM1 c.999-2A>G variant is predicted to disrupt the AG splice acceptor site and interfere with normal splicing. To our knowledge, this variant has not been reported in the literature or in a large population database, indicating this variant is rare. Variants that disrupt the consensus splice acceptor site in SIM1 are expected to be pathogenic. This variant is interpreted as likely pathogenic.